The following is an entry in ClinVar:

ClinVar aggregate classification (germline): Uncertain significance (1 of 4 stars; one submission).

Conditions:
Aspartylglucosaminuria (AGU). Also called: GLYCOASPARAGINASE; GLYCOSYLASPARAGINASE DEFICIENCY; Aspartylglucos-aminuria; Aspartylglucos-amidase (AGA) deficiency; AGA DEFICIENCY. Identifiers: Orphanet 93, MedGen C0268225, MONDO:0008830, OMIM 208400, HP:0012068.

Allele frequency attached by ClinVar (database versions not stated): gnomAD exomes below 0.00001; TOPMed below 0.00001; gnomAD 0.00001.
gnomAD v4.1: 3 of 1,613,950 alleles (0.00019%); highest among the groups gnomAD compares: Admixed American, 0.005%; no homozygotes.

Submission:

Labcorp Genetics (formerly Invitae), Labcorp
Classification: Uncertain significance for Aspartylglucosaminuria. Last evaluated: 2021-08-20. Review status: criteria provided, single submitter. Criteria: Invitae Variant Classification Sherloc (09022015). Collection method: clinical testing. Allele origin: germline.
Comment: This sequence change replaces histidine with arginine at codon 121 of the AGA protein (p.His121Arg). The histidine residue is moderately conserved and there is a small physicochemical difference between histidine and arginine. This variant is not present in population databases (ExAC no frequency). This variant has not been reported in the literature in individuals affected with AGA-related conditions. Algorithms developed to predict the effect of missense changes on protein structure and function (SIFT, PolyPhen-2, Align-GVGD) all suggest that this variant is likely to be tolerated. In summary, the available evidence is currently insufficient to determine the role of this variant in disease. Therefore, it has been classified as a Variant of Uncertain Significance.

NM_000027.4(AGA):c.362A>G (p.His121Arg)

Gene: AGA (aspartylglucosaminidase; minus strand). Cytogenetic location: 4q34.3.
Variant type: single nucleotide variant.
Coding change: c.362A>G on transcript NM_000027.4 (MANE Select); coding-DNA position 362, A replaced by G.
Protein change: p.His121Arg; replaces histidine 121 with arginine.
Molecular consequence: missense variant. On other transcripts: non-coding transcript variant (1).
Genome position (GRCh38, 1-based): chr4:177,439,608, T>C on the plus strand (A>G on the coding strand, the complement: AGA is on the minus strand). VCF-style: chr4-177439608-T-C. GRCh37 (hg19) VCF-style: chr4-178360762-T-C.
Other names: c.362A>G, p.His121Arg (NM_001171988.2); short protein forms H121R.
Identifiers: ClinVar variation 1392288 (VCV001392288.5), dbSNP rs1282622869, ClinGen allele CA358783580.